The following is an entry in ClinVar:

NM_007294.4(BRCA1):c.5270A>G (p.Asp1757Gly)

Gene: BRCA1 (BRCA1 DNA repair associated; minus strand). Cytogenetic location: 17q21.31.
Variant type: single nucleotide variant.
Coding change: c.5270A>G on transcript NM_007294.4 (MANE Select); coding-DNA position 5270, A replaced by G.
Protein change: p.Asp1757Gly; replaces aspartic acid 1757 with glycine.
Molecular consequence: missense variant. On other transcripts: non-coding transcript variant (1).
Genome position (GRCh38, 1-based): chr17:43,057,059, T>C on the plus strand (A>G on the coding strand, the complement: BRCA1 is on the minus strand). VCF-style: chr17-43057059-T-C. GRCh37 (hg19) VCF-style: chr17-41209076-T-C.
Other names: c.5057A>G, p.Asp1686Gly (NM_001407571.1, NM_001407900.1, NM_001407902.1 and 12 more transcripts); c.5336A>G, p.Asp1779Gly (NM_001407581.1, NM_001407582.1); c.5333A>G, p.Asp1778Gly (NM_001407583.1, NM_001407585.1, NM_001407587.1 and 1 more transcripts); c.5267A>G, p.Asp1756Gly (NM_001407610.1, NM_001407611.1, NM_001407612.1 and 17 more transcripts); c.5264A>G, p.Asp1755Gly (NM_001407629.1, NM_001407630.1, NM_001407631.1 and 14 more transcripts); c.5210A>G, p.Asp1737Gly (NM_001407649.1); c.5192A>G, p.Asp1731Gly (NM_001407652.1, NM_001407653.1, NM_001407654.1 and 1 more transcripts); c.5189A>G, p.Asp1730Gly (NM_001407656.1, NM_001407657.1, NM_001407658.1); and 72 more; short protein forms D1778G, D1757G, D1710G, D653G, D1461G, D1628G, D1629G, D1667G.
Identifiers: ClinVar variation 867297 (VCV000867297.3), dbSNP rs2051498474, ClinGen allele CA10591014.
Genomic context (GRCh38, chr17:43,057,059, plus strand): 5'-GAATACAGAGTGGTGGGGTGAGATTTTTGTCAACTTGAGGGAGGGAGCTTTACCTTTCTG[T>C]CCTGGGATTCTCTTGCTCGCTTTGGACCTTGGTGGTTTCTTCCATTGACCACATCTCCTC-3'
Protein context (NP_009225.1, residues 1747-1767): QGPKRARESQ[Asp1757Gly]RKIFRGLEIC

Conditions:
Breast-ovarian cancer, familial, susceptibility to, 1 (BROVCA1). Also called: BRCA1 Hereditary Breast and Ovarian Cancer; OVARIAN CANCER, SUSCEPTIBILITY TO. Identifiers: Orphanet 145, MedGen C2676676, MONDO:0011450, OMIM 604370. Disease mechanism: loss of function.

Submission:

Brotman Baty Institute, University of Washington
No classification provided (evidence only). Condition: Breast-ovarian cancer, familial 1. Review status: no classification provided. Collection method: in vitro. Allele origin: not applicable. Functional consequence: functionally_normal.
ClinVar note: "not provided" was previously submitted as the classification for the variant. However, the classification appeared to be based only on an observation of functional data so it was converted to no classification on 2025-07-30.